The following is an entry in ClinVar:

ClinVar aggregate classification (germline): Uncertain significance (1 of 4 stars; one submission).

Submission:

Labcorp Genetics (formerly Invitae), Labcorp
Classification: Uncertain significance. Last evaluated: 2022-02-04. Review status: criteria provided, single submitter. Criteria: Invitae Variant Classification Sherloc (09022015). Collection method: clinical testing. Allele origin: germline.
Comment: This sequence change replaces tyrosine, which is neutral and polar, with cysteine, which is neutral and slightly polar, at codon 2576 of the DMXL2 protein (p.Tyr2576Cys). This variant is not present in population databases (gnomAD no frequency). In summary, the available evidence is currently insufficient to determine the role of this variant in disease. Therefore, it has been classified as a Variant of Uncertain Significance. Algorithms developed to predict the effect of missense changes on protein structure and function (SIFT, PolyPhen-2, Align-GVGD) all suggest that this variant is likely to be tolerated. This variant has not been reported in the literature in individuals affected with DMXL2-related conditions.

NM_001378457.1(DMXL2):c.7727A>G (p.Tyr2576Cys)

Gene: DMXL2 (Dmx like 2; minus strand). Cytogenetic location: 15q21.2.
Variant type: single nucleotide variant.
Coding change: c.7727A>G on transcript NM_001378457.1 (MANE Select); coding-DNA position 7727, A replaced by G.
Protein change: p.Tyr2576Cys; replaces tyrosine 2576 with cysteine.
Molecular consequence: missense variant. On other transcripts: non-coding transcript variant (1), intron variant (2).
Genome position (GRCh38, 1-based): chr15:51,464,756, T>C on the plus strand (A>G on the coding strand, the complement: DMXL2 is on the minus strand). VCF-style: chr15-51464756-T-C. GRCh37 (hg19) VCF-style: chr15-51756953-T-C.
Other names: c.7727A>G, p.Tyr2576Cys (NM_001174116.3, NM_001378461.1); c.5816A>G, p.Tyr1939Cys (NM_001174117.3); c.7724A>G, p.Tyr2575Cys (NM_001378458.1, NM_001378462.1, NM_015263.5); c.5705A>G, p.Tyr1902Cys (NM_001378460.1); c.7484A>G, p.Tyr2495Cys (NM_001378464.1); c.7521-1260A>G (NM_001378459.1); c.7606+810A>G (NM_001378463.1); short protein forms Y1939C, Y1902C, Y2495C, Y2575C, Y2576C.
Identifiers: ClinVar variation 2093285 (VCV002093285.4), dbSNP rs2543068900, ClinGen allele CA392438886.